The following is an entry in ClinVar:

NM_181840.1(KCNK18):c.328T>C (p.Cys110Arg)

Gene: KCNK18 (potassium two pore domain channel subfamily K member 18; plus strand). Cytogenetic location: 10q25.3.
Variant type: single nucleotide variant.
Coding change: c.328T>C on transcript NM_181840.1 (MANE Select); coding-DNA position 328, T replaced by C.
Protein change: p.Cys110Arg; replaces cysteine 110 with arginine.
Molecular consequence: missense variant.
Genome position (GRCh38, 1-based): chr10:117,201,263, T>C. VCF-style: chr10-117201263-T-C. GRCh37 (hg19) VCF-style: chr10-118960774-T-C.
Other names: short protein forms C110R.
Identifiers: ClinVar variation 1167254 (VCV001167254.13), dbSNP rs140325655, ClinGen allele CA5709933.

ClinVar aggregate classification (germline): Benign. Review status: criteria provided, multiple submitters, no conflicts (2 of 4 stars). 4 submissions from 4 submitters: Benign (3). 1 of the submissions does not count toward it. Last evaluated 2026-01-14.

Conditions:
KCNK18-related disorder. Also called: KCNK18-related condition.

Allele frequency attached by ClinVar (database versions not stated): 1000 Genomes Project 30x 0.00219; 1000 Genomes Project 0.00220; TOPMed 0.00591; gnomAD 0.00612 and 0.00642; ESP Exome Variant Server 0.00630; gnomAD exomes 0.00639 and 0.00871; ExAC 0.00689.
gnomAD v4.1: 13,542 of 1,613,912 alleles (0.84%); highest among the groups gnomAD compares: Non-Finnish European, 1%; 89 homozygotes.

Submissions (4):

Labcorp Genetics (formerly Invitae), Labcorp
Classification: Benign. Last evaluated: 2026-01-14. Review status: criteria provided, single submitter. Criteria: Invitae Variant Classification Sherloc (09022015). Collection method: clinical testing. Allele origin: germline.

Blueprint Genetics
Classification: Benign. Last evaluated: 2024-11-27. Review status: criteria provided, single submitter. Criteria: ACMG Guidelines, 2015. Collection method: clinical testing. Allele origin: germline.

Breakthrough Genomics
Classification: Benign. Review status: criteria provided, single submitter. Criteria: ACMG Guidelines, 2015. Collection method: not provided. Allele origin: germline. Inheritance: Autosomal dominant inheritance. Affected: yes.

PreventionGenetics, part of Exact Sciences
Classification: Benign for KCNK18-related condition. Last evaluated: 2024-05-15. Review status: no assertion criteria provided. Collection method: clinical testing. Allele origin: germline. Not counted in ClinVar's aggregate classification.
Comment: This variant is classified as benign based on ACMG/AMP sequence variant interpretation guidelines (Richards et al. 2015 PMID: 25741868, with internal and published modifications).